The following is an entry in ClinVar:

ClinVar aggregate classification (germline): Uncertain significance (1 of 4 stars; one submission).

Allele frequency attached by ClinVar (database versions not stated): gnomAD 0.00001; TOPMed 0.00001.
gnomAD v4.1: 11 of 1,551,348 alleles (0.00071%); highest among the groups gnomAD compares: East Asian, 0.02%; no homozygotes.

Submission:

Labcorp Genetics (formerly Invitae), Labcorp
Classification: Uncertain significance. Last evaluated: 2022-05-08. Review status: criteria provided, single submitter. Criteria: Invitae Variant Classification Sherloc (09022015). Collection method: clinical testing. Allele origin: germline.
Comment: In summary, the available evidence is currently insufficient to determine the role of this variant in disease. Therefore, it has been classified as a Variant of Uncertain Significance. Algorithms developed to predict the effect of missense changes on protein structure and function (SIFT, PolyPhen-2, Align-GVGD) all suggest that this variant is likely to be tolerated. This variant has not been reported in the literature in individuals affected with LRIT3-related conditions. The frequency data for this variant in the population databases is considered unreliable, as metrics indicate poor data quality at this position in the gnomAD database. This sequence change replaces proline, which is neutral and non-polar, with threonine, which is neutral and polar, at codon 183 of the LRIT3 protein (p.Pro183Thr).

NM_198506.5(LRIT3):c.547C>A (p.Pro183Thr)

Gene: LRIT3 (leucine rich repeat, Ig-like and transmembrane domains 3; plus strand). Cytogenetic location: 4q25.
Variant type: single nucleotide variant.
Coding change: c.547C>A on transcript NM_198506.5 (MANE Select); coding-DNA position 547, C replaced by A.
Protein change: p.Pro183Thr; replaces proline 183 with threonine.
Molecular consequence: missense variant.
Genome position (GRCh38, 1-based): chr4:109,851,934, C>A. VCF-style: chr4-109851934-C-A. GRCh37 (hg19) VCF-style: chr4-110773090-C-A.
Other names: short protein forms P183T.
Identifiers: ClinVar variation 2115415 (VCV002115415.4), dbSNP rs1211085056, ClinGen allele CA357872444.